The following is an entry in ClinVar:

ClinVar aggregate classification (germline): Uncertain significance (1 of 4 stars; one submission).

Submission:

Laboratory for Molecular Medicine, Mass General Brigham Personalized Medicine
Classification: Uncertain significance. Last evaluated: 2019-02-19. Review status: criteria provided, single submitter. Criteria: LMM Criteria. Collection method: clinical testing. Allele origin: germline. Observed: 1 variant allele.
Comment: The p.Asp2788His variant in CHD7 has not been previously reported in individuals with hearing loss or CHARGE syndrome. This variant was absent from large population studies. Computational prediction tools and conservation analysis do not provide strong support for or against an impact to the protein. In summary, the clinical significance of the p.Asp2788His variant is uncertain. ACMG/AMP Criteria applied: PM2.

NM_017780.4(CHD7):c.8362G>C (p.Asp2788His)

Gene: CHD7 (chromodomain helicase DNA binding protein 7; plus strand). Cytogenetic location: 8q12.2.
Variant type: single nucleotide variant.
Coding change: c.8362G>C on transcript NM_017780.4 (MANE Select); coding-DNA position 8362, G replaced by C.
Protein change: p.Asp2788His; replaces aspartic acid 2788 with histidine.
Molecular consequence: missense variant.
Genome position (GRCh38, 1-based): chr8:60,865,301, G>C. VCF-style: chr8-60865301-G-C. GRCh37 (hg19) VCF-style: chr8-61777860-G-C.
Other names: c.2215G>C, p.Asp739His (NM_001316690.1); short protein forms D2788H, D739H.
Identifiers: ClinVar variation 666812 (VCV000666812.5), dbSNP rs373204105, ClinGen allele CA371308681.